The following is an entry in ClinVar:

ClinVar aggregate classification (germline): Uncertain significance. Review status: criteria provided, multiple submitters, no conflicts (2 of 4 stars). 3 submissions from 3 submitters: Uncertain significance (3). Last evaluated 2026-02-09.

Allele frequency attached by ClinVar (database versions not stated): gnomAD 0.00009 and 0.00008; TOPMed 0.00011; ExAC 0.00013; 1000 Genomes Project 30x 0.00016; 1000 Genomes Project 0.00020; gnomAD exomes 0.00012 and 0.00009.

Submissions (3):

GeneDx
Classification: Uncertain significance. Last evaluated: 2026-02-09. Review status: criteria provided, single submitter. Criteria: GeneDx Variant Classification Process June 2021. Collection method: clinical testing. Allele origin: germline. Affected: yes.
Comment: In silico analysis supports that this missense variant does not alter protein structure/function; Has not been previously published as pathogenic or benign to our knowledge

Labcorp Genetics (formerly Invitae), Labcorp
Classification: Uncertain significance. Last evaluated: 2025-09-13. Review status: criteria provided, single submitter. Criteria: Invitae Variant Classification Sherloc (09022015). Collection method: clinical testing. Allele origin: germline.
Comment: This sequence change replaces arginine, which is basic and polar, with histidine, which is basic and polar, at codon 150 of the CEACAM16 protein (p.Arg150His). This variant is present in population databases (rs547346351, gnomAD 0.02%). This variant has not been reported in the literature in individuals affected with CEACAM16-related conditions. ClinVar contains an entry for this variant (Variation ID: 1310824). Invitae Evidence Modeling of protein sequence and biophysical properties (such as structural, functional, and spatial information, amino acid conservation, physicochemical variation, residue mobility, and thermodynamic stability) indicates that this missense variant is not expected to disrupt CEACAM16 protein function with a negative predictive value of 80%. In summary, the available evidence is currently insufficient to determine the role of this variant in disease. Therefore, it has been classified as a Variant of Uncertain Significance.

Breakthrough Genomics
Classification: Uncertain significance. Review status: criteria provided, single submitter. Criteria: ACMG Guidelines, 2015. Collection method: not provided. Allele origin: germline. Inheritance: Autosomal dominant inheritance. Affected: yes.

NM_001039213.4(CEACAM16):c.449G>A (p.Arg150His)

Genes: CEACAM16 (CEA cell adhesion molecule 16, tectorial membrane component; plus strand), CEACAM16-AS1 (CEACAM16, CEACAM19 and PVR antisense RNA 1; minus strand). Cytogenetic location: 19q13.32.
Variant type: single nucleotide variant.
Coding change: c.449G>A on transcript NM_001039213.4 (MANE Select); coding-DNA position 449, G replaced by A.
Protein change: p.Arg150His; replaces arginine 150 with histidine.
Molecular consequence: missense variant.
Genome position (GRCh38, 1-based): chr19:44,704,084, G>A. VCF-style: chr19-44704084-G-A. GRCh37 (hg19) VCF-style: chr19-45207354-G-A.
Other names: short protein forms R150H.
Identifiers: ClinVar variation 1310824 (VCV001310824.12), dbSNP rs547346351, ClinGen allele CA9503060.